The following is an entry in ClinVar:

NM_000384.3(APOB):c.5115C>G (p.Leu1705=)

Gene: APOB (apolipoprotein B; minus strand). Cytogenetic location: 2p24.1.
Variant type: single nucleotide variant.
Coding change: c.5115C>G on transcript NM_000384.3 (MANE Select); coding-DNA position 5115, C replaced by G.
Protein change: p.Leu1705=; no amino-acid change (leucine 1705 retained).
Molecular consequence: synonymous variant.
Genome position (GRCh38, 1-based): chr2:21,011,753, G>C on the plus strand (C>G on the coding strand, the complement: APOB is on the minus strand). VCF-style: chr2-21011753-G-C. GRCh37 (hg19) VCF-style: chr2-21234625-G-C.
Other names: c.5115C>G (NM_000384.2).
Identifiers: ClinVar variation 4787567 (VCV004787567.2).

ClinVar aggregate classification (germline): Benign/Likely benign. Review status: criteria provided, multiple submitters, no conflicts (2 of 4 stars). 2 submissions from 2 submitters: Benign (1); Likely benign (1). Last evaluated 2026-03-02.

Conditions:
Familial hypercholesterolemia. Also called: Familial hypercholesterolemias; Familial hypercholesterolaemia. Identifiers: MedGen C0020445, MONDO:0005439.
Familial hypobetalipoproteinemia 1. Also called: Hypobetalipoproteinemia, normotriglyceridemic; Acanthocytosis with hypobetalipoproteinemia; APOB-Related Familial Hypobetalipoproteinemia. Identifiers: MedGen C4551990, MONDO:0014252, OMIM 615558.
Hypercholesterolemia, autosomal dominant, type B (FHCL2). Also called: Familial Hypercholesterolemia Type B; APOLIPOPROTEIN B-100, FAMILIAL DEFECTIVE; APOLIPOPROTEIN B-100, FAMILIAL LIGAND-DEFECTIVE; HYPERCHOLESTEROLEMIA, FAMILIAL, DUE TO LIGAND-DEFECTIVE APOLIPOPROTEIN B; APOB-Related Familial Hypercholesterolemia, Autosomal Dominant; Hyperlipoproteinemia Type IIb. Identifiers: MedGen C1704417, MONDO:0007751, OMIM 144010.

gnomAD v4.1: 2 of 1,614,028 alleles (0.00012%); highest among the groups gnomAD compares: African/African-American, 0.0027%; no homozygotes.

Submissions (2):

GENinCode PLC
Classification: Likely benign for Familial hypercholesterolemia. Last evaluated: 2026-03-02. Review status: criteria provided, single submitter. Criteria: ACMG Guidelines, 2015. Collection method: clinical testing. Allele origin: germline.
Comment: This is a synonymous (silent) variant that is not predicted to impact splicing and occurs at a nucleotide which is not highly conserved. This variant has been classified as Likely Benign (BP4, BP7).

Labcorp Genetics (formerly Invitae), Labcorp
Classification: Benign for Familial hypobetalipoproteinemia 1; Hypercholesterolemia, autosomal dominant, type B. Last evaluated: 2025-02-19. Review status: criteria provided, single submitter. Criteria: Invitae Variant Classification Sherloc (09022015). Collection method: clinical testing. Allele origin: germline.